The following is an entry in ClinVar:

NM_001080517.3(SETD5):c.1659dup (p.Val554fs)

Gene: SETD5 (SET domain containing 5; plus strand). Cytogenetic location: 3p25.3.
Variant type: Duplication.
Coding change: c.1659dup on transcript NM_001080517.3 (MANE Select); coding-DNA position 1659, one base duplicated (T; older notation c.1659dupT).
Protein change: p.Val554fs; shifts the reading frame from valine 554.
Molecular consequence: frameshift variant.
Genome position (GRCh38, 1-based): chr3:9,447,184, T duplicated. VCF-style (leftmost placement, unchanged base first): chr3-9447183-C-CT. GRCh37 (hg19) VCF-style: chr3-9488867-C-CT.
Other names: c.1365dup, p.Val456fs (NM_001292043.2, NM_001349451.2); c.1755dup, p.Val586fs (NM_001437633.1); c.1716dup, p.Val573fs (NM_001437635.1); c.1659dup, p.Val554fs (NM_001437643.1); c.1698dup, p.Val567fs (NM_001437701.1); short protein forms V456fs, V554fs, V573fs, V586fs, V567fs.
Identifiers: ClinVar variation 4630620 (VCV004630620.1).
Genomic context (GRCh38, chr3:9,447,183, plus strand): 5'-ATCAGCCCTTGGAACAGAGCAACTCTGATGTAGAGATTACTACAACCACCTCAGAGACTC[C>CT]TGTTGGTGAAGAGACAAAAACTGAAGCCCCTGAATCTGAAGTTAGCAACTCTGTTTCAAA-3'

ClinVar aggregate classification (germline): Pathogenic (1 of 4 stars; one submission).

Conditions:
Inborn genetic diseases. Identifiers: MedGen C0950123, MeSH D030342.

Submission:

Ambry Genetics
Classification: Pathogenic for Inborn genetic diseases. Last evaluated: 2025-10-24. Review status: criteria provided, single submitter. Criteria: Ambry Variant Classification Scheme 2023. Collection method: clinical testing. Allele origin: germline.
Comment: The c.1659dupT (p.V554Cfs*3) alteration, located in exon 14 (coding exon 12) of the SETD5 gene, consists of a duplication of T at position 1659, causing a translational frameshift with a predicted alternate stop codon after 3 amino acids. This alteration is expected to result in loss of function by premature protein truncation or nonsense-mediated mRNA decay. This variant was not reported in population-based cohorts in the Genome Aggregation Database (gnomAD). Based on the available evidence, this alteration is classified as pathogenic.